The following is an entry in ClinVar:

NM_007294.4(BRCA1):c.5564T>G (p.Ile1855Arg)

Gene: BRCA1 (BRCA1 DNA repair associated; minus strand). Cytogenetic location: 17q21.31.
Variant type: single nucleotide variant.
Coding change: c.5564T>G on transcript NM_007294.4 (MANE Select); coding-DNA position 5564, T replaced by G.
Protein change: p.Ile1855Arg; replaces isoleucine 1855 with arginine.
Molecular consequence: missense variant. On other transcripts: 3 prime UTR variant (1), non-coding transcript variant (1).
Genome position (GRCh38, 1-based): chr17:43,045,706, A>C on the plus strand (T>G on the coding strand, the complement: BRCA1 is on the minus strand). VCF-style: chr17-43045706-A-C. GRCh37 (hg19) VCF-style: chr17-41197723-A-C.
Other names: c.5351T>G, p.Ile1784Arg (NM_001407571.1, NM_001407894.1, NM_001407895.1 and 12 more transcripts); c.5630T>G, p.Ile1877Arg (NM_001407581.1, NM_001407582.1); c.5627T>G, p.Ile1876Arg (NM_001407583.1, NM_001407585.1, NM_001407587.1 and 1 more transcripts); c.5624T>G, p.Ile1875Arg (NM_001407590.1, NM_001407591.1); c.5564T>G, p.Ile1855Arg (NM_001407593.1, NM_001407594.1, NM_001407596.1 and 5 more transcripts); c.5561T>G, p.Ile1854Arg (NM_001407620.1, NM_001407621.1, NM_001407622.1 and 14 more transcripts); c.5558T>G, p.Ile1853Arg (NM_001407627.1, NM_001407628.1, NM_001407639.1 and 13 more transcripts); c.5555T>G, p.Ile1852Arg (NM_001407644.1, NM_001407645.1); and 74 more; short protein forms I751R, I1855R, I1876R, I1808R, I1766R, I1771R, I1784R, I1806R.
Identifiers: ClinVar variation 869058 (VCV000869058.3), dbSNP rs900082291, ClinGen allele CA10590195.

Conditions:
Breast-ovarian cancer, familial, susceptibility to, 1 (BROVCA1). Also called: BRCA1 Hereditary Breast and Ovarian Cancer; OVARIAN CANCER, SUSCEPTIBILITY TO. Identifiers: Orphanet 145, MedGen C2676676, MONDO:0011450, OMIM 604370. Disease mechanism: loss of function.

Submission:

Brotman Baty Institute, University of Washington
No classification provided (evidence only). Condition: Breast-ovarian cancer, familial 1. Review status: no classification provided. Collection method: in vitro. Allele origin: not applicable. Functional consequence: functionally_normal.
ClinVar note: "not provided" was previously submitted as the classification for the variant. However, the classification appeared to be based only on an observation of functional data so it was converted to no classification on 2025-07-30.